The following is an entry in ClinVar:

ClinVar aggregate classification (germline): Uncertain significance (1 of 4 stars; one submission).

gnomAD v4.1: 13 of 1,614,184 alleles (0.00081%); highest among the groups gnomAD compares: South Asian, 0.0055%; no homozygotes.

Submission:

Women's Health and Genetics/Laboratory Corporation of America, LabCorp
Classification: Uncertain significance. Last evaluated: 2025-09-02. Review status: criteria provided, single submitter. Criteria: LabCorp Variant Classification Summary - May 2015. Collection method: clinical testing. Allele origin: germline.
Comment: Variant summary: LAMA1 c.2563G>A (p.Val855Met) results in a conservative amino acid change located in the Laminin-type EGF repeat domain (IPR002049) of the encoded protein sequence. Algorithms developed to predict the effect of missense changes on protein structure and function are either unavailable or do not agree on the potential impact of this missense change. The variant allele was found at a frequency of 1.6e-05 in 251464 control chromosomes. The available data on variant occurrences in the general population are insufficient to allow any conclusion about variant significance. To our knowledge, no occurrence of c.2563G>A in individuals affected with LAMA1-related conditions and no experimental evidence demonstrating its impact on protein function have been reported. No submitters have cited clinical-significance assessments for this variant to ClinVar. Based on the evidence outlined above, the variant was classified as uncertain significance.

NM_005559.4(LAMA1):c.2563G>A (p.Val855Met)

Gene: LAMA1 (laminin subunit alpha 1; minus strand). Cytogenetic location: 18p11.31.
Variant type: single nucleotide variant.
Coding change: c.2563G>A on transcript NM_005559.4 (MANE Select); coding-DNA position 2563, G replaced by A.
Protein change: p.Val855Met; replaces valine 855 with methionine.
Molecular consequence: missense variant.
Genome position (GRCh38, 1-based): chr18:7,023,302, C>T on the plus strand (G>A on the coding strand, the complement: LAMA1 is on the minus strand). VCF-style: chr18-7023302-C-T. GRCh37 (hg19) VCF-style: chr18-7023301-C-T.
Other names: short protein forms V855M.
Identifiers: ClinVar variation 4535914 (VCV004535914.1).
Genomic context (GRCh38, chr18:7,023,302, plus strand): 5'-CCAGGCACTTCAGGCACTCCCCGGTGACTGAGTCACAGTGACCAGCCTCCGAGGGGTCCA[C>T]GTTGCCGCTGCAGTCACAGGGAACACAAGATTCGCCAGGCACTGTTGGGTTTCCATAGTA-3'
Protein context (NP_005550.2, residues 845-865): SCVPCDCSGN[Val855Met]DPSEAGHCDS